The following is an entry in ClinVar:

NM_004035.7(ACOX1):c.1944A>G (p.Glu648=)

Gene: ACOX1 (acyl-CoA oxidase 1; minus strand). Cytogenetic location: 17q25.1.
Variant type: single nucleotide variant.
Coding change: c.1944A>G on transcript NM_004035.7 (MANE Select); coding-DNA position 1944, A replaced by G.
Protein change: p.Glu648=; no amino-acid change (glutamic acid 648 retained).
Molecular consequence: synonymous variant.
Genome position (GRCh38, 1-based): chr17:75,946,787, T>C on the plus strand (A>G on the coding strand, the complement: ACOX1 is on the minus strand). VCF-style: chr17-75946787-T-C. GRCh37 (hg19) VCF-style: chr17-73942868-T-C.
Other names: c.1830A>G, p.Glu610= (NM_001185039.2); c.1944A>G, p.Glu648= (NM_007292.6).
Identifiers: ClinVar variation 796656 (VCV000796656.13), dbSNP rs374691393, ClinGen allele CA8776617.

ClinVar aggregate classification (germline): Likely benign. Review status: criteria provided, multiple submitters, no conflicts (2 of 4 stars). 3 submissions from 3 submitters: Likely benign (2). 1 of the submissions does not count toward it. Last evaluated 2026-08-30.

Conditions:
Acyl-CoA oxidase deficiency. Also called: STRAIGHT-CHAIN ACYL-CoA OXIDASE DEFICIENCY; Peroxisomal acyl-CoA oxidase deficiency; Pseudoneonatal adrenoleukodystrophy. Identifiers: Orphanet 2971, MedGen C1849678, MONDO:0009919, OMIM 264470. Disease mechanism: loss of function.
ACOX1-related disorder. Also called: ACOX1-related disorders; ACOX1-related condition.

Allele frequency attached by ClinVar (database versions not stated): TOPMed 0.00001; gnomAD 0.00003; 1000 Genomes Project 30x 0.00016; 1000 Genomes Project 0.00020.
gnomAD v4.1: 17 of 1,613,944 alleles (0.0011%); highest among the groups gnomAD compares: East Asian, 0.029%; no homozygotes.

Submissions (3):

PreventionGenetics, part of Exact Sciences
Classification: Likely benign for ACOX1-related condition. Last evaluated: 2026-08-30. Review status: criteria provided, single submitter. Criteria: ACMG Guidelines, 2015. Collection method: clinical testing. Allele origin: germline.
Comment: This variant is classified as likely benign based on ACMG/AMP sequence variant interpretation guidelines (Richards et al. 2015 PMID: 25741868, with internal and published modifications).

Labcorp Genetics (formerly Invitae), Labcorp
Classification: Likely benign for Acyl-CoA oxidase deficiency. Last evaluated: 2025-12-16. Review status: criteria provided, single submitter. Criteria: Invitae Variant Classification Sherloc (09022015). Collection method: clinical testing. Allele origin: germline.

Natera, Inc.
Classification: Uncertain significance for Peroxisomal acyl-CoA oxidase deficiency. Last evaluated: 2020-02-13. Review status: no assertion criteria provided. Collection method: clinical testing. Allele origin: germline. Not counted in ClinVar's aggregate classification.